The following is an entry in ClinVar:

ClinVar aggregate classification (germline): Uncertain significance (1 of 4 stars; one submission).

Conditions:
Diffuse cerebral and cerebellar atrophy - intractable seizures - progressive microcephaly syndrome. Also called: Microcephaly, progressive, with seizures and cerebral and cerebellar atrophy. Identifiers: Orphanet 404437, MedGen C4014239, MONDO:0014335, OMIM 615760.

Allele frequency attached by ClinVar (database versions not stated): ExAC 0.00001; gnomAD 0.00001; gnomAD exomes 0.00002; TOPMed 0.00002.

Submission:

Labcorp Genetics (formerly Invitae), Labcorp
Classification: Uncertain significance for Diffuse cerebral and cerebellar atrophy - intractable seizures - progressive microcephaly syndrome. Last evaluated: 2024-10-10. Review status: criteria provided, single submitter. Criteria: Invitae Variant Classification Sherloc (09022015). Collection method: clinical testing. Allele origin: germline.
Comment: This sequence change replaces glycine, which is neutral and non-polar, with arginine, which is basic and polar, at codon 226 of the QARS protein (p.Gly226Arg). This variant is present in population databases (rs769241806, gnomAD 0.01%). This variant has not been reported in the literature in individuals affected with QARS-related conditions. ClinVar contains an entry for this variant (Variation ID: 999472). Invitae Evidence Modeling of protein sequence and biophysical properties (such as structural, functional, and spatial information, amino acid conservation, physicochemical variation, residue mobility, and thermodynamic stability) has been performed for this missense variant. However, the output from this modeling did not meet the statistical confidence thresholds required to predict the impact of this variant on QARS protein function. In summary, the available evidence is currently insufficient to determine the role of this variant in disease. Therefore, it has been classified as a Variant of Uncertain Significance.

NM_005051.3(QARS1):c.676G>C (p.Gly226Arg)

Gene: QARS1 (glutaminyl-tRNA synthetase 1; minus strand). Cytogenetic location: 3p21.31.
Variant type: single nucleotide variant.
Coding change: c.676G>C on transcript NM_005051.3 (MANE Select); coding-DNA position 676, G replaced by C.
Protein change: p.Gly226Arg; replaces glycine 226 with arginine.
Molecular consequence: missense variant. On other transcripts: non-coding transcript variant (1).
Genome position (GRCh38, 1-based): chr3:49,101,855, C>G on the plus strand (G>C on the coding strand, the complement: QARS1 is on the minus strand). VCF-style: chr3-49101855-C-G. GRCh37 (hg19) VCF-style: chr3-49139288-C-G.
Other names: c.643G>C, p.Gly215Arg (NM_001272073.2); short protein forms G215R, G226R.
Identifiers: ClinVar variation 999472 (VCV000999472.4), dbSNP rs769241806, ClinGen allele CA2392059.